The following is an entry in ClinVar:

ClinVar aggregate classification (germline): Uncertain significance (1 of 4 stars; one submission).

gnomAD v4.1: 3 of 1,614,042 alleles (0.00019%); highest among the groups gnomAD compares: East Asian, 0.0045%; no homozygotes.

Submission:

GeneDx
Classification: Uncertain significance. Last evaluated: 2026-02-27. Review status: criteria provided, single submitter. Criteria: GeneDx Variant Classification Process June 2021. Collection method: clinical testing. Allele origin: germline.
Comment: In silico analysis supports that this missense variant has a deleterious effect on protein structure/function; Has not been previously published as pathogenic or benign to our knowledge

NM_001365999.1(SZT2):c.7733A>G (p.Glu2578Gly)

Gene: SZT2 (SZT2 subunit of KICSTOR complex; plus strand). Cytogenetic location: 1p34.2.
Variant type: single nucleotide variant.
Coding change: c.7733A>G on transcript NM_001365999.1 (MANE Select); coding-DNA position 7733, A replaced by G.
Protein change: p.Glu2578Gly; replaces glutamic acid 2578 with glycine.
Molecular consequence: missense variant.
Genome position (GRCh38, 1-based): chr1:43,441,809, A>G. VCF-style: chr1-43441809-A-G. GRCh37 (hg19) VCF-style: chr1-43907480-A-G.
Other names: c.7562A>G, p.Glu2521Gly (NM_015284.4); short protein forms E2521G, E2578G.
Identifiers: ClinVar variation 5008179 (VCV005008179.1).